The following is an entry in ClinVar:

ClinVar aggregate classification (germline): Pathogenic. Review status: criteria provided, multiple submitters, no conflicts (2 of 4 stars). 6 submissions from 6 submitters: Pathogenic (5). 1 of the submissions does not count toward it. Last evaluated 2024-03-26.

Conditions:
Syndromic X-linked intellectual disability Najm type (MICPCH). Also called: Intellectual developmental disorder and microcephaly with pontine and cerebellar hypoplasia; Mental retardation and microcephaly with pontine and cerebellar hypoplasia; MENTAL RETARDATION, X-LINKED, SYNDROMIC, NAJM TYPE; Intellectual Disability and Microcephaly with Pontine and Cerebellar Hypoplasia (MICPCH); Intellectual Disability and Microcephaly with Pontine and Cerebellar Hypoplasia; MICPCH SYNDROME. Identifiers: Orphanet 163937, MedGen C2677903, MONDO:0010417, OMIM 300749.
FG syndrome 4 (FGS4). Identifiers: MedGen C1845546, MONDO:0010318, OMIM 300422.
Anemia, nonspherocytic hemolytic, due to G6PD deficiency (CNSHA1). Also called: Class I glucose-6-phosphate dehydrogenase deficiency; Favism, susceptibility to; Hemolytic anemia due to G6PD deficiency; ANEMIA, CONGENITAL, NONSPHEROCYTIC HEMOLYTIC, 1. Identifiers: Orphanet 466026, MedGen C2720289, MONDO:0010480, OMIM 300908.
Inborn genetic diseases. Identifiers: MedGen C0950123, MeSH D030342.

Submissions (6):

Ambry Genetics
Classification: Pathogenic for Inborn genetic diseases. Last evaluated: 2024-03-26. Review status: criteria provided, single submitter. Criteria: Ambry Variant Classification Scheme 2023. Collection method: clinical testing. Allele origin: germline.
Comment: The c.846C>G (p.Y282*) alteration, located in exon 9 (coding exon 9) of the CASK gene, consists of a C to G substitution at nucleotide position 846. This changes the amino acid from a tyrosine (Y) to a stop codon at amino acid position 282. This alteration is expected to result in loss of function by premature protein truncation or nonsense-mediated mRNA decay. for x-linked dominant CASK-related microcephaly with pontine and cerebellar hypoplasia; however, its clinical significance for x-linked recessive CASK-related intellectual disability with or without nystagmus is uncertain. This variant was not reported in population-based cohorts in the Genome Aggregation Database (gnomAD). Based on the available evidence, this alteration is classified as pathogenic.

GeneDx
Classification: Pathogenic. Last evaluated: 2023-10-20. Review status: criteria provided, single submitter. Criteria: GeneDx Variant Classification Process June 2021. Collection method: clinical testing. Allele origin: germline. Affected: yes.
Comment: Nonsense variant predicted to result in protein truncation or nonsense mediated decay in a gene for which loss of function is a known mechanism of disease; Not observed at significant frequency in large population cohorts (gnomAD); This variant is associated with the following publications: (PMID: 33640666, 36168867, 34085948)

Institute of Immunology and Genetics Kaiserslautern
Classification: Pathogenic for Syndromic X-linked intellectual disability Najm type. Last evaluated: 2022-11-15. Review status: criteria provided, single submitter. Criteria: ACMG Guidelines, 2015. Collection method: clinical testing. Allele origin: de novo. Affected: yes.
Comment: ACMG Criteria: PVS1, PS2, PS3, PM2, PM5, PP5; Variant was found in heterozygous state. De novo-status was confirmed via in-house segregation analysis.

Fulgent Genetics
Classification: Pathogenic for FG syndrome 4; Syndromic X-linked intellectual disability Najm type; Anemia, nonspherocytic hemolytic, due to G6PD deficiency. Last evaluated: 2018-10-31. Review status: criteria provided, single submitter. Criteria: ACMG Guidelines, 2015. Collection method: clinical testing. Allele origin: unknown.

Genetic Services Laboratory, University of Chicago
Classification: Pathogenic for Mental retardation and microcephaly with pontine and cerebellar hypoplasia. Last evaluated: 2016-09-29. Review status: criteria provided, single submitter. Criteria: ACMG Guidelines, 2015. Collection method: clinical testing. Allele origin: germline. Affected: yes.

Laboratory of Molecular Genetics (Pr. Bezieau's lab), CHU de Nantes
Classification: Pathogenic. Last evaluated: 2016-06-07. Review status: no assertion criteria provided. Collection method: clinical testing. Allele origin: germline. Affected: yes. Not counted in ClinVar's aggregate classification.

Literature cited by the submitters: PubMed 36168867 (cited by Ambry Genetics).

NM_001367721.1(CASK):c.846C>G (p.Tyr282Ter)

Gene: CASK (calcium/calmodulin dependent serine protein kinase; minus strand). Cytogenetic location: Xp11.4.
Variant type: single nucleotide variant.
Coding change: c.846C>G on transcript NM_001367721.1 (MANE Select); coding-DNA position 846, C replaced by G.
Protein change: p.Tyr282Ter; replaces tyrosine 282 with a stop codon.
Molecular consequence: nonsense.
Genome position (GRCh38, 1-based): chrX:41,636,647, G>C on the plus strand (C>G on the coding strand, the complement: CASK is on the minus strand). VCF-style: chrX-41636647-G-C. GRCh37 (hg19) VCF-style: chrX-41495900-G-C.
Other names: c.846C>G, p.Tyr282Ter (NM_001126054.3, NM_001126055.3, NM_001410745.1 and 1 more transcripts); short protein forms Y282*.
Identifiers: ClinVar variation 434588 (VCV000434588.10), dbSNP rs886128077, ClinGen allele CA412994696.